The following is an entry in ClinVar:

ClinVar aggregate classification (germline): Likely benign. Review status: criteria provided, single submitter (1 of 4 stars). 2 submissions from 2 submitters: Likely benign (1). 1 of the submissions does not count toward it. Last evaluated 2026-01-05.

Conditions:
PSAP-related disorder. Also called: PSAP-related condition.
Sphingolipid activator protein 1 deficiency. Also called: Saposin B Deficiency; METACHROMATIC LEUKODYSTROPHY DUE TO CEREBROSIDE SULFATASE ACTIVATOR DEFICIENCY; Metachromatic leukodystrophy due to saposin B deficiency. Identifiers: Orphanet 512, MedGen C0268262, MONDO:0009590, OMIM 249900.

Allele frequency attached by ClinVar (database versions not stated): ExAC 0.00003; gnomAD 0.00003; TOPMed 0.00003; gnomAD exomes 0.00004.
gnomAD v4.1: 18 of 1,614,162 alleles (0.0011%); highest among the groups gnomAD compares: Middle Eastern, 0.016%; no homozygotes.

Submissions (2):

Labcorp Genetics (formerly Invitae), Labcorp
Classification: Likely benign for Sphingolipid activator protein 1 deficiency. Last evaluated: 2026-01-05. Review status: criteria provided, single submitter. Criteria: Invitae Variant Classification Sherloc (09022015). Collection method: clinical testing. Allele origin: germline.

PreventionGenetics, part of Exact Sciences
Classification: Likely benign for PSAP-related condition. Last evaluated: 2019-11-21. Review status: no assertion criteria provided. Collection method: clinical testing. Allele origin: germline. Not counted in ClinVar's aggregate classification.
Comment: This variant is classified as likely benign based on ACMG/AMP sequence variant interpretation guidelines (Richards et al. 2015 PMID: 25741868, with internal and published modifications).

NM_002778.4(PSAP):c.1050G>A (p.Pro350=)

Gene: PSAP (prosaposin; minus strand). Cytogenetic location: 10q22.1.
Variant type: single nucleotide variant.
Coding change: c.1050G>A on transcript NM_002778.4 (MANE Select); coding-DNA position 1050, G replaced by A.
Protein change: p.Pro350=; no amino-acid change (proline 350 retained).
Molecular consequence: synonymous variant.
Genome position (GRCh38, 1-based): chr10:71,819,856, C>T on the plus strand (G>A on the coding strand, the complement: PSAP is on the minus strand). VCF-style: chr10-71819856-C-T. GRCh37 (hg19) VCF-style: chr10-73579613-C-T.
Other names: c.1059G>A, p.Pro353= (NM_001042465.3); c.1056G>A, p.Pro352= (NM_001042466.3); c.1050G>A (NM_002778.3).
Identifiers: ClinVar variation 1104701 (VCV001104701.11), dbSNP rs761826289, ClinGen allele CA5547495.